The following is an entry in ClinVar:

ClinVar aggregate classification (germline): Uncertain significance (1 of 4 stars; one submission).

Conditions:
Hereditary cancer-predisposing syndrome. Also called: Tumor predisposition; Hereditary Cancer Syndrome; Hereditary neoplastic syndrome; Neoplastic Syndromes, Hereditary. Identifiers: Orphanet 140162, MedGen C0027672, MeSH D009386, MONDO:0015356.

Submission:

Ambry Genetics
Classification: Uncertain significance for Hereditary cancer-predisposing syndrome. Last evaluated: 2024-04-24. Review status: criteria provided, single submitter. Criteria: Ambry Variant Classification Scheme 2023. Collection method: clinical testing. Allele origin: germline.
Comment: The c.1483_1484delGAinsTT variant (also known as p.E495L), located in coding exon 4 of the PALB2 gene, results from an in-frame deletion of GA and insertion of TT at nucleotide positions 1483 to 1484. This results in the substitution of the glutamic acid residue for a leucine residue at codon 495, an amino acid with dissimilar properties. This amino acid position is poorly conserved in available vertebrate species. In addition, the in silico prediction for this alteration is inconclusive (Choi Y et al. PLoS ONE. 2012; 7(10):e46688). Based on the available evidence, the clinical significance of this variant remains unclear.

NM_024675.4(PALB2):c.1483_1484delinsTT (p.Glu495Leu)

Gene: PALB2 (partner and localizer of BRCA2; minus strand). Cytogenetic location: 16p12.2.
Variant type: Indel.
Coding change: c.1483_1484delinsTT on transcript NM_024675.4 (MANE Select); coding-DNA positions 1483 to 1484, GA replaced by TT.
Protein change: p.Glu495Leu; replaces glutamic acid 495 with leucine.
Molecular consequence: missense variant. On other transcripts: intron variant (3).
Genome position (GRCh38, 1-based): chr16:23,635,062-23,635,063, TC replaced by AA on the plus strand (GA replaced by TT on the coding strand, the reverse complement: PALB2 is on the minus strand). VCF-style: chr16-23635062-TC-AA. GRCh37 (hg19) VCF-style: chr16-23646383-TC-AA.
Other names: c.598_599delinsTT, p.Glu200Leu (NM_001407310.1, NM_001407311.1, NM_001407308.1 and 5 more transcripts); c.49-5788_49-5787delinsTT (NM_001407314.1); c.-104-4594_-104-4593delinsTT (NM_001407313.1, NM_001407312.1); c.1423_1424delinsTT, p.Glu475Leu (NM_001407296.1); c.1483_1484delinsTT, p.Glu495Leu (NM_001407297.1, NM_001407298.1, NM_001407299.1 and 3 more transcripts); short protein forms E495L, E200L, E475L.
Identifiers: ClinVar variation 3303991 (VCV003303991.1).